The following is an entry in ClinVar:

ClinVar aggregate classification (germline): Likely pathogenic (1 of 4 stars; one submission).

Conditions:
Ellis-van Creveld syndrome (EVC). Also called: MESOECTODERMAL DYSPLASIA; Chondroectodermal dysplasia; EVC-Related Ellis-van Creveld Syndrome; EVC2-Related Ellis-van Creveld Syndrome. Identifiers: Orphanet 289, MedGen C0013903, MONDO:0009162, OMIM 225500.

Submission:

Dubai Health Genomic Medicine Center, Dubai Health
Classification: Likely pathogenic for Ellis-van Creveld syndrome. Last evaluated: 2024-10-04. Review status: criteria provided, single submitter. Criteria: ACMG Guidelines, 2015. Collection method: research. Allele origin: germline. Affected: yes.
Comment: PVS1,PM2

NM_147127.5(EVC2):c.2047-1G>T

Gene: EVC2 (EvC ciliary complex subunit 2; minus strand). Cytogenetic location: 4p16.2.
Variant type: single nucleotide variant.
Coding change: c.2047-1G>T on transcript NM_147127.5 (MANE Select); the canonical splice acceptor site of the intron before coding-DNA position 2047, G replaced by T.
Molecular consequence: splice acceptor variant.
Genome position (GRCh38, 1-based): chr4:5,622,992, C>A on the plus strand (G>T on the coding strand, the complement: EVC2 is on the minus strand). VCF-style: chr4-5622992-C-A. GRCh37 (hg19) VCF-style: chr4-5624719-C-A.
Other names: c.1807-1G>T (NM_001166136.2).
Identifiers: ClinVar variation 3384087 (VCV003384087.1).